The following is an entry in ClinVar:

NM_177438.3(DICER1):c.5746C>A (p.Gln1916Lys)

Gene: DICER1 (dicer 1, ribonuclease III; minus strand). Cytogenetic location: 14q32.13.
Variant type: single nucleotide variant.
Coding change: c.5746C>A on transcript NM_177438.3 (MANE Select); coding-DNA position 5746, C replaced by A.
Protein change: p.Gln1916Lys; replaces glutamine 1916 with lysine.
Molecular consequence: missense variant. On other transcripts: 3 prime UTR variant (1), non-coding transcript variant (6).
Genome position (GRCh38, 1-based): chr14:95,090,521, G>T on the plus strand (C>A on the coding strand, the complement: DICER1 is on the minus strand). VCF-style: chr14-95090521-G-T. GRCh37 (hg19) VCF-style: chr14-95556858-G-T.
Other names: c.*93C>A (NM_001195573.1); c.5746C>A, p.Gln1916Lys (NM_001271282.3, NM_001291628.2, NM_001395677.1 and 8 more transcripts); c.5464C>A, p.Gln1822Lys (NM_001395686.1); c.5341C>A, p.Gln1781Lys (NM_001395687.1, NM_001395688.1, NM_001395689.1 and 1 more transcripts); c.5179C>A, p.Gln1727Lys (NM_001395691.1); c.4063C>A, p.Gln1355Lys (NM_001395697.1); short protein forms Q1355K, Q1916K, Q1727K, Q1822K, Q1781K.
Identifiers: ClinVar variation 2133314 (VCV002133314.4), dbSNP rs1253131536, ClinGen allele CA390862938.

ClinVar aggregate classification (germline): Uncertain significance (1 of 4 stars; one submission).

Conditions:
DICER1-related tumor predisposition. Also called: DICER1 syndrome; DICER1-related pleuropulmonary blastoma cancer predisposition syndrome. Identifiers: Orphanet 284343, MedGen C3839822, MONDO:0100216.

Submission:

Labcorp Genetics (formerly Invitae), Labcorp
Classification: Uncertain significance for DICER1-related tumor predisposition. Last evaluated: 2022-05-24. Review status: criteria provided, single submitter. Criteria: Invitae Variant Classification Sherloc (09022015). Collection method: clinical testing. Allele origin: germline.
Comment: Algorithms developed to predict the effect of missense changes on protein structure and function are either unavailable or do not agree on the potential impact of this missense change (SIFT: "Tolerated"; PolyPhen-2: "Possibly Damaging"; Align-GVGD: "Class C0"). In summary, the available evidence is currently insufficient to determine the role of this variant in disease. Therefore, it has been classified as a Variant of Uncertain Significance. This variant has not been reported in the literature in individuals affected with DICER1-related conditions. This variant is not present in population databases (gnomAD no frequency). This sequence change replaces glutamine, which is neutral and polar, with lysine, which is basic and polar, at codon 1916 of the DICER1 protein (p.Gln1916Lys).